The following is an entry in ClinVar:

ClinVar aggregate classification (germline): Uncertain significance (1 of 4 stars; one submission).

Allele frequency attached by ClinVar (database versions not stated): gnomAD exomes below 0.00001; TOPMed 0.00001.
gnomAD v4.1: 1 of 1,613,808 alleles (0.000062%); highest among the groups gnomAD compares: Admixed American, 0.0017%; no homozygotes.

Submission:

Labcorp Genetics (formerly Invitae), Labcorp
Classification: Uncertain significance. Last evaluated: 2021-12-13. Review status: criteria provided, single submitter. Criteria: Invitae Variant Classification Sherloc (09022015). Collection method: clinical testing. Allele origin: germline.
Comment: In summary, the available evidence is currently insufficient to determine the role of this variant in disease. Therefore, it has been classified as a Variant of Uncertain Significance. Algorithms developed to predict the effect of missense changes on protein structure and function are either unavailable or do not agree on the potential impact of this missense change (SIFT: "Tolerated"; PolyPhen-2: "Probably Damaging"; Align-GVGD: "Class C0"). This variant has not been reported in the literature in individuals affected with CLCN6-related conditions. This variant is present in population databases (no rsID available, gnomAD 0.003%). This sequence change replaces methionine, which is neutral and non-polar, with valine, which is neutral and non-polar, at codon 203 of the CLCN6 protein (p.Met203Val).

NM_001286.5(CLCN6):c.607A>G (p.Met203Val)

Gene: CLCN6 (chloride voltage-gated channel 6; plus strand). Cytogenetic location: 1p36.22.
Variant type: single nucleotide variant.
Coding change: c.607A>G on transcript NM_001286.5 (MANE Select); coding-DNA position 607, A replaced by G.
Protein change: p.Met203Val; replaces methionine 203 with valine.
Molecular consequence: missense variant. On other transcripts: non-coding transcript variant (1).
Genome position (GRCh38, 1-based): chr1:11,824,512, A>G. VCF-style: chr1-11824512-A-G. GRCh37 (hg19) VCF-style: chr1-11884569-A-G.
Other names: c.541A>G, p.Met181Val (NM_001256959.2); short protein forms M181V, M203V.
Identifiers: ClinVar variation 1987875 (VCV001987875.4), dbSNP rs973083278, ClinGen allele CA17994491.
Genomic context (GRCh38, chr1:11,824,512, plus strand): 5'-TGACTGTTGGTCTTTCCTTTTTCACCCTGCCCAGGGCTCTTCGTGGAGAAGGAAGGCCCC[A>G]TGATCCACAGTGGTTCGGTGGTGGGAGCTGGCCTCCCTCAGGTAAGATGGGCTGAGAGGG-3'
Protein context (NP_001277.2, residues 193-213): GGLFVEKEGP[Met203Val]IHSGSVVGAG